The following is an entry in ClinVar:

NM_001099274.3(TINF2):c.1312C>G (p.Pro438Ala)

Gene: TINF2 (TERF1 interacting nuclear factor 2; minus strand). Cytogenetic location: 14q12.
Variant type: single nucleotide variant.
Coding change: c.1312C>G on transcript NM_001099274.3 (MANE Select); coding-DNA position 1312, C replaced by G.
Protein change: p.Pro438Ala; replaces proline 438 with alanine.
Molecular consequence: missense variant. On other transcripts: 3 prime UTR variant (1).
Genome position (GRCh38, 1-based): chr14:24,239,841, G>C on the plus strand (C>G on the coding strand, the complement: TINF2 is on the minus strand). VCF-style: chr14-24239841-G-C. GRCh37 (hg19) VCF-style: chr14-24709047-G-C.
Other names: c.1207C>G, p.Pro403Ala (NM_001363668.2); c.*574C>G (NM_012461.3); short protein forms P403A, P438A.
Identifiers: ClinVar variation 837709 (VCV000837709.10), dbSNP rs1359891417, ClinGen allele CA389219651.

ClinVar aggregate classification (germline): Conflicting classifications of pathogenicity. Review status: criteria provided, conflicting classifications (1 of 4 stars). 2 submissions from 2 submitters: Uncertain significance (1); Likely benign (1). Last evaluated 2023-11-12.

Conditions:
Dyskeratosis congenita. Identifiers: Orphanet 1775, MedGen C0265965, MONDO:0015780.

Allele frequency attached by ClinVar (database versions not stated): gnomAD exomes 0.00003 and 0.00001; TOPMed below 0.00001; gnomAD 0.00002.
gnomAD v4.1: 21 of 1,614,074 alleles (0.0013%); highest among the groups gnomAD compares: Non-Finnish European, 0.0018%; no homozygotes.

Submissions (2):

Labcorp Genetics (formerly Invitae), Labcorp
Classification: Uncertain significance for Dyskeratosis congenita. Last evaluated: 2023-11-12. Review status: criteria provided, single submitter. Criteria: Invitae Variant Classification Sherloc (09022015). Collection method: clinical testing. Allele origin: germline.
Comment: This sequence change replaces proline, which is neutral and non-polar, with alanine, which is neutral and non-polar, at codon 438 of the TINF2 protein (p.Pro438Ala). This variant is present in population databases (no rsID available, gnomAD 0.003%). This variant has not been reported in the literature in individuals affected with TINF2-related conditions. ClinVar contains an entry for this variant (Variation ID: 837709). An algorithm developed to predict the effect of missense changes on protein structure and function (PolyPhen-2) suggests that this variant is likely to be disruptive. In summary, the available evidence is currently insufficient to determine the role of this variant in disease. Therefore, it has been classified as a Variant of Uncertain Significance.

Blueprint Genetics
Classification: Likely benign. Last evaluated: 2022-07-17. Review status: criteria provided, single submitter. Criteria: ACMG Guidelines, 2015. Collection method: clinical testing. Allele origin: germline.